The following is an entry in ClinVar:

NM_001163809.2(WDR81):c.1605C>T (p.Arg535=)

Gene: WDR81 (WD repeat domain 81; plus strand). Cytogenetic location: 17p13.3.
Variant type: single nucleotide variant.
Coding change: c.1605C>T on transcript NM_001163809.2 (MANE Select); coding-DNA position 1605, C replaced by T.
Protein change: p.Arg535=; no amino-acid change (arginine 535 retained).
Molecular consequence: synonymous variant. On other transcripts: intron variant (3).
Genome position (GRCh38, 1-based): chr17:1,726,564, C>T. VCF-style: chr17-1726564-C-T. GRCh37 (hg19) VCF-style: chr17-1629858-C-T.
Other names: c.-123-1426C>T (NM_152348.4); c.59-3816C>T (NM_001163673.2); c.-15+1778C>T (NM_001163811.2).
Identifiers: ClinVar variation 3044616 (VCV003044616.2), dbSNP rs761261013, ClinGen allele CA8273060.

ClinVar aggregate classification (germline): Likely benign (0 of 4 stars; one submission).

Conditions:
WDR81-related disorder. Also called: WDR81-related condition.

Allele frequency attached by ClinVar (database versions not stated): gnomAD exomes 0.00001; ExAC 0.00005.
gnomAD v4.1: 12 of 1,550,344 alleles (0.00077%); highest among the groups gnomAD compares: Middle Eastern, 0.017%; no homozygotes.

Submission:

PreventionGenetics, part of Exact Sciences
Classification: Likely benign for WDR81-related condition. Last evaluated: 2019-05-25. Review status: no assertion criteria provided. Collection method: clinical testing. Allele origin: germline.
Comment: This variant is classified as likely benign based on ACMG/AMP sequence variant interpretation guidelines (Richards et al. 2015 PMID: 25741868, with internal and published modifications).